The following is an entry in ClinVar:

NM_002485.5(NBN):c.1373A>T (p.Tyr458Phe)

Gene: NBN (nibrin; minus strand). Cytogenetic location: 8q21.3.
Variant type: single nucleotide variant.
Coding change: c.1373A>T on transcript NM_002485.5 (MANE Select); coding-DNA position 1373, A replaced by T.
Protein change: p.Tyr458Phe; replaces tyrosine 458 with phenylalanine.
Molecular consequence: missense variant.
Genome position (GRCh38, 1-based): chr8:89,955,307, T>A on the plus strand (A>T on the coding strand, the complement: NBN is on the minus strand). VCF-style: chr8-89955307-T-A. GRCh37 (hg19) VCF-style: chr8-90967535-T-A.
Other names: c.1127A>T, p.Tyr376Phe (NM_001024688.3); short protein forms Y376F, Y458F.
Identifiers: ClinVar variation 2676947 (VCV002676947.2), dbSNP rs544909538, ClinGen allele CA371656001.

ClinVar aggregate classification (germline): Uncertain significance. Review status: criteria provided, multiple submitters, no conflicts (2 of 4 stars). 2 submissions from 2 submitters: Uncertain significance (2). Last evaluated 2025-06-16.

Conditions:
Hereditary cancer-predisposing syndrome. Also called: Neoplastic Syndromes, Hereditary; Tumor predisposition; Hereditary Cancer Syndrome; Hereditary neoplastic syndrome. Identifiers: Orphanet 140162, MedGen C0027672, MeSH D009386, MONDO:0015356.
Aplastic anemia. Identifiers: Orphanet 182040, Orphanet 88, MedGen C0002874, MONDO:0015909, OMIM 609135, HP:0001915.

Submissions (2):

Ambry Genetics
Classification: Uncertain significance for Hereditary cancer-predisposing syndrome. Last evaluated: 2025-06-16. Review status: criteria provided, single submitter. Criteria: Ambry Variant Classification Scheme 2023. Collection method: clinical testing. Allele origin: germline.
Comment: The p.Y458F variant (also known as c.1373A>T), located in coding exon 10 of the NBN gene, results from an A to T substitution at nucleotide position 1373. The tyrosine at codon 458 is replaced by phenylalanine, an amino acid with highly similar properties. This amino acid position is conserved. In addition, this alteration is predicted to be tolerated by in silico analysis. Based on the available evidence, the clinical significance of this variant remains unclear.

Baylor Genetics
Classification: Uncertain significance for Aplastic anemia. Last evaluated: 2023-05-12. Review status: criteria provided, single submitter. Criteria: ACMG Guidelines, 2015. Collection method: clinical testing. Allele origin: unknown.